The following is an entry in ClinVar:

ClinVar aggregate classification (germline): Uncertain significance. Review status: criteria provided, multiple submitters, no conflicts (2 of 4 stars). 2 submissions from 2 submitters: Uncertain significance (2). Last evaluated 2024-02-06.

Conditions:
Familial cancer of breast. Also called: Hereditary breast cancer; BREAST CANCER, FAMILIAL; hereditary breast carcinoma. Identifiers: Orphanet 227535, MedGen C0346153, MONDO:0016419, OMIM 114480. Disease mechanism: loss of function.
Fanconi anemia complementation group J. Also called: BRIP1-Related Fanconi Anemia. Identifiers: Orphanet 84, MedGen C1836860, MONDO:0012187, OMIM 609054.

Submissions (2):

Baylor Genetics
Classification: Uncertain significance for Familial cancer of breast. Last evaluated: 2024-02-06. Review status: criteria provided, single submitter. Criteria: ACMG Guidelines, 2015. Collection method: clinical testing. Allele origin: unknown.

Labcorp Genetics (formerly Invitae), Labcorp
Classification: Uncertain significance for Familial cancer of breast; Fanconi anemia complementation group J. Last evaluated: 2021-11-17. Review status: criteria provided, single submitter. Criteria: Invitae Variant Classification Sherloc (09022015). Collection method: clinical testing. Allele origin: germline.
Comment: This variant is not present in population databases (gnomAD no frequency). In summary, the available evidence is currently insufficient to determine the role of this variant in disease. Therefore, it has been classified as a Variant of Uncertain Significance. Algorithms developed to predict the effect of missense changes on protein structure and function are either unavailable or do not agree on the potential impact of this missense change (SIFT: "Deleterious"; PolyPhen-2: "Benign"; Align-GVGD: "Class C0"). ClinVar contains an entry for this variant (Variation ID: 958706). This variant has not been reported in the literature in individuals affected with BRIP1-related conditions. This sequence change replaces phenylalanine, which is neutral and non-polar, with cysteine, which is neutral and slightly polar, at codon 176 of the BRIP1 protein (p.Phe176Cys).

NM_032043.3(BRIP1):c.527T>G (p.Phe176Cys)

Gene: BRIP1 (BRCA1 interacting DNA helicase 1; minus strand). Cytogenetic location: 17q23.2.
Variant type: single nucleotide variant.
Coding change: c.527T>G on transcript NM_032043.3 (MANE Select); coding-DNA position 527, T replaced by G.
Protein change: p.Phe176Cys; replaces phenylalanine 176 with cysteine.
Molecular consequence: missense variant.
Genome position (GRCh38, 1-based): chr17:61,847,201, A>C on the plus strand (T>G on the coding strand, the complement: BRIP1 is on the minus strand). VCF-style: chr17-61847201-A-C. GRCh37 (hg19) VCF-style: chr17-59924562-A-C.
Other names: short protein forms F176C.
Identifiers: ClinVar variation 958706 (VCV000958706.9), dbSNP rs2078748560, ClinGen allele CA400483311.